The following is an entry in ClinVar:

ClinVar aggregate classification (germline): Uncertain significance (1 of 4 stars; one submission).

Allele frequency attached by ClinVar (database versions not stated): gnomAD exomes below 0.00001.
gnomAD v4.1: 1 of 1,583,880 alleles (0.000063%); highest among the groups gnomAD compares: Non-Finnish European, 0.000086%; no homozygotes.

Submission:

Labcorp Genetics (formerly Invitae), Labcorp
Classification: Uncertain significance. Last evaluated: 2021-03-26. Review status: criteria provided, single submitter. Criteria: Invitae Variant Classification Sherloc (09022015). Collection method: clinical testing. Allele origin: germline.
Comment: In summary, the available evidence is currently insufficient to determine the role of this variant in disease. Therefore, it has been classified as a Variant of Uncertain Significance. Algorithms developed to predict the effect of missense changes on protein structure and function (SIFT, PolyPhen-2, Align-GVGD) all suggest that this variant is likely to be disruptive, but these predictions have not been confirmed by published functional studies and their clinical significance is uncertain. This variant has not been reported in the literature in individuals with NEDD4L-related conditions. This variant is not present in population databases (ExAC no frequency). This sequence change replaces isoleucine with threonine at codon 907 of the NEDD4L protein (p.Ile907Thr). The isoleucine residue is highly conserved and there is a moderate physicochemical difference between isoleucine and threonine.

NM_001144967.3(NEDD4L):c.2780T>C (p.Ile927Thr)

Gene: NEDD4L (NEDD4 like E3 ubiquitin protein ligase; plus strand). Cytogenetic location: 18q21.31.
Variant type: single nucleotide variant.
Coding change: c.2780T>C on transcript NM_001144967.3 (MANE Select); coding-DNA position 2780, T replaced by C.
Protein change: p.Ile927Thr; replaces isoleucine 927 with threonine.
Molecular consequence: missense variant.
Genome position (GRCh38, 1-based): chr18:58,391,514, T>C. VCF-style: chr18-58391514-T-C. GRCh37 (hg19) VCF-style: chr18-56058746-T-C.
Other names: c.2417T>C, p.Ile806Thr (NM_001144964.1, NM_001144965.2, NM_001144966.3); c.2756T>C, p.Ile919Thr (NM_001144968.2); c.2696T>C, p.Ile899Thr (NM_001144969.2); c.2357T>C, p.Ile786Thr (NM_001144970.3, NM_001144971.2); c.2588T>C, p.Ile863Thr (NM_001243960.2); c.2720T>C, p.Ile907Thr (NM_015277.6); short protein forms I899T, I927T, I863T, I919T, I786T, I806T, I907T.
Identifiers: ClinVar variation 1519992 (VCV001519992.8), dbSNP rs1468279486, ClinGen allele CA402561777.